The following is an entry in ClinVar:

ClinVar aggregate classification (germline): Likely benign. Review status: criteria provided, multiple submitters, no conflicts (2 of 4 stars). 4 submissions from 4 submitters: Likely benign (3). 1 of the submissions does not count toward it. Last evaluated 2025-04-30.

Conditions:
Polycystic kidney disease. Also called: Kidney, Polycystic; Polycystic kidney dysplasia. Identifiers: MedGen C0022680, MeSH D007690, MONDO:0020642, HP:0000113.
PKD1-related disorder. Also called: PKD1-related condition.
Polycystic kidney disease, adult type (PKD1). Also called: Polycystic Kidney, Autosomal Dominant; Polycystic Kidney Disease 1, Autosomal Dominant; Polycystic kidney disease 1; Polycystic kidney disease 1, severe; POLYCYSTIC KIDNEY DISEASE 1 WITH OR WITHOUT POLYCYSTIC LIVER DISEASE; POLYCYSTIC KIDNEY DISEASE, ADULT, TYPE I. Identifiers: MedGen C3149841, MONDO:0008263, OMIM 173900.

Allele frequency attached by ClinVar (database versions not stated): TOPMed 0.00009; gnomAD exomes 0.00010 and 0.00012; gnomAD 0.00013 and 0.00014; ExAC 0.00014.
gnomAD v4.1: 159 of 1,609,910 alleles (0.0099%); highest among the groups gnomAD compares: Non-Finnish European, 0.011%; no homozygotes.

Submissions (4):

PreventionGenetics, part of Exact Sciences
Classification: Likely benign for PKD1-related condition. Last evaluated: 2025-04-30. Review status: criteria provided, single submitter. Criteria: ACMG Guidelines, 2015. Collection method: clinical testing. Allele origin: germline.
Comment: This variant is classified as likely benign based on ACMG/AMP sequence variant interpretation guidelines (Richards et al. 2015 PMID: 25741868, with internal and published modifications).

Blueprint Genetics
Classification: Likely benign. Last evaluated: 2024-10-14. Review status: criteria provided, single submitter. Criteria: ACMG Guidelines, 2015. Collection method: clinical testing. Allele origin: germline.

Fulgent Genetics
Classification: Likely benign for Polycystic kidney disease, adult type. Last evaluated: 2022-02-25. Review status: criteria provided, single submitter. Criteria: ACMG Guidelines, 2015. Collection method: clinical testing. Allele origin: unknown.

Department of Pathology and Laboratory Medicine, Sinai Health System
Classification: Likely benign for Polycystic Kidney disease. Review status: no assertion criteria provided. Collection method: clinical testing. Allele origin: unknown. Affected: yes. Study: The Canadian Open Genetics Repository (COGR). Not counted in ClinVar's aggregate classification.
Comment: PKD1, EXON23B, c.8367C>T, p.Asp2789=, Heterozygous, Likely BenignrnThe PKD1 p.Asp2789= variant was identified in 2 of 164 proband chromosomes (frequency: 0.01) from individuals or families with ADPKD (Garcia-Gonzalez 2007). The variant was also identified in dbSNP (ID: rs764827551) and in the ADPKD Mutation Database (as likely neutral). The variant was not identified in ClinVar, LOVD 3.0, or PKD1-LOVD. The variant was identified in control databases in 33 of 271734 chromosomes at a frequency of 0.0001 (Genome Aggregation Database Feb 27, 2017). The variant was observed in the following populations: African in 1 of 22904 chromosomes (freq: 0.00004), Latino in 2 of 34312 chromosomes (freq: 0.00006), European in 25 of 123128 chromosomes (freq: 0.0002), and Ashkenazi Jewish in 5 of 9978 chromosomes (freq: 0.0005), but not in the Other, East Asian, Finnish, or South Asian populations. The p.Asp2789= variant is not expected to have clinical significance because it does not result in a change of amino acid and is not located in a known consensus splice site. In addition, in silico or computational prediction software programs (SpliceSiteFinder, MaxEntScan, NNSPLICE, GeneSplicer) do not predict a difference in splicing. In summary, based on the above information, the clinical significance of this variant cannot be determined with certainty at this time although we would lean towards a more benign role for this variant. This variant is classified as likely benign.rnAssessment Date: 2019/06/26rnReferences (PMIDs): 17574468

NM_001009944.3(PKD1):c.8367C>T (p.Asp2789=)

Gene: PKD1 (polycystin 1, transient receptor potential channel interacting; minus strand). Cytogenetic location: 16p13.3.
Variant type: single nucleotide variant.
Coding change: c.8367C>T on transcript NM_001009944.3 (MANE Select); coding-DNA position 8367, C replaced by T.
Protein change: p.Asp2789=; no amino-acid change (aspartic acid 2789 retained).
Molecular consequence: synonymous variant.
Genome position (GRCh38, 1-based): chr16:2,103,690, G>A on the plus strand (C>T on the coding strand, the complement: PKD1 is on the minus strand). VCF-style: chr16-2103690-G-A. GRCh37 (hg19) VCF-style: chr16-2153691-G-A.
Other names: c.8367C>T (NM_001009944.2); c.8367C>T, p.Asp2789= (NM_000296.4).
Identifiers: ClinVar variation 997168 (VCV000997168.4), dbSNP rs764827551, ClinGen allele CA7830546.